The following is an entry in ClinVar:

NM_002519.3(NPAT):c.2096A>C (p.His699Pro)

Gene: NPAT (nuclear protein, coactivator of histone transcription; minus strand). Cytogenetic location: 11q22.3.
Variant type: single nucleotide variant.
Coding change: c.2096A>C on transcript NM_002519.3 (MANE Select); coding-DNA position 2096, A replaced by C.
Protein change: p.His699Pro; replaces histidine 699 with proline.
Molecular consequence: missense variant.
Genome position (GRCh38, 1-based): chr11:108,172,888, T>G on the plus strand (A>C on the coding strand, the complement: NPAT is on the minus strand). VCF-style: chr11-108172888-T-G. GRCh37 (hg19) VCF-style: chr11-108043615-T-G.
Other names: c.2096A>C, p.His699Pro (NM_001321307.1); short protein forms H699P.
Identifiers: ClinVar variation 3407280 (VCV003407280.2).

ClinVar aggregate classification (germline): Uncertain significance. Review status: criteria provided, multiple submitters, no conflicts (2 of 4 stars). 2 submissions from 2 submitters: Uncertain significance (2). Last evaluated 2025-07-24.

Submissions (2):

Labcorp Genetics (formerly Invitae), Labcorp
Classification: Uncertain significance. Last evaluated: 2025-07-24. Review status: criteria provided, single submitter. Criteria: Invitae Variant Classification Sherloc (09022015). Collection method: clinical testing. Allele origin: germline.
Comment: This sequence change replaces histidine, which is basic and polar, with proline, which is neutral and non-polar, at codon 699 of the NPAT protein (p.His699Pro). This variant is present in population databases (rs766402800, gnomAD 0.003%). This variant has not been reported in the literature in individuals affected with NPAT-related conditions. ClinVar contains an entry for this variant (Variation ID: 3407280). An algorithm developed to predict the effect of missense changes on protein structure and function (PolyPhen-2) suggests that this variant is likely to be tolerated. In summary, the available evidence is currently insufficient to determine the role of this variant in disease. Therefore, it has been classified as a Variant of Uncertain Significance.

Ambry Genetics
Classification: Uncertain significance. Last evaluated: 2024-08-14. Review status: criteria provided, single submitter. Criteria: Ambry Variant Classification Scheme 2023. Collection method: clinical testing. Allele origin: germline.